The following is an entry in ClinVar:

ClinVar aggregate classification (germline): Uncertain significance (1 of 4 stars; one submission).

Conditions:
Developmental and epileptic encephalopathy, 54. Also called: Epileptic encephalopathy, early infantile, 54; HNRNPU-Related Neurodevelopmental Disorder. Identifiers: MedGen C4479319, MONDO:0033363, OMIM 617391.

Allele frequency attached by ClinVar (database versions not stated): TOPMed below 0.00001; ExAC 0.00002.

Submission:

Labcorp Genetics (formerly Invitae), Labcorp
Classification: Uncertain significance for Developmental and epileptic encephalopathy, 54. Last evaluated: 2019-12-27. Review status: criteria provided, single submitter. Criteria: Invitae Variant Classification Sherloc (09022015). Collection method: clinical testing. Allele origin: germline.
Comment: This variant has not been reported in the literature in individuals with HNRNPU-related conditions. This variant is present in population databases (rs769942155, ExAC 0.004%). This sequence change replaces alanine with glutamic acid at codon 203 of the HNRNPU protein (p.Ala203Glu). The alanine residue is weakly conserved and there is a moderate physicochemical difference between alanine and glutamic acid. Algorithms developed to predict the effect of missense changes on protein structure and function are either unavailable or do not agree on the potential impact of this missense change (SIFT: "Deleterious"; PolyPhen-2: "Possibly Damaging"; Align-GVGD: "Class C0"). In summary, the available evidence is currently insufficient to determine the role of this variant in disease. Therefore, it has been classified as a Variant of Uncertain Significance.

NM_031844.3(HNRNPU):c.608C>A (p.Ala203Glu)

Gene: HNRNPU (heterogeneous nuclear ribonucleoprotein U; minus strand). Cytogenetic location: 1q44.
Variant type: single nucleotide variant.
Coding change: c.608C>A on transcript NM_031844.3 (MANE Select); coding-DNA position 608, C replaced by A.
Protein change: p.Ala203Glu; replaces alanine 203 with glutamic acid.
Molecular consequence: missense variant.
Genome position (GRCh38, 1-based): chr1:244,863,700, G>T on the plus strand (C>A on the coding strand, the complement: HNRNPU is on the minus strand). VCF-style: chr1-244863700-G-T. GRCh37 (hg19) VCF-style: chr1-245027002-G-T.
Other names: c.608C>A, p.Ala203Glu (NM_004501.3); short protein forms A203E.
Identifiers: ClinVar variation 838713 (VCV000838713.48), dbSNP rs769942155, ClinGen allele CA1486768.